The following is an entry in ClinVar:

NM_000093.5(COL5A1):c.4699-3C>G

Genes: COL5A1 (collagen type V alpha 1 chain; plus strand), LOC101448202 (uncharacterized LOC101448202; minus strand). Cytogenetic location: 9q34.3.
Variant type: single nucleotide variant.
Coding change: c.4699-3C>G on transcript NM_000093.5 (MANE Select); 3 bases into the intron before coding-DNA position 4699, C replaced by G.
Molecular consequence: intron variant.
Genome position (GRCh38, 1-based): chr9:134,824,597, C>G. VCF-style: chr9-134824597-C-G. GRCh37 (hg19) VCF-style: chr9-137716443-C-G.
Other names: c.4699-3C>G (NM_001278074.1).
Identifiers: ClinVar variation 1423700 (VCV001423700.7), dbSNP rs746861627, ClinGen allele CA201100490.

ClinVar aggregate classification (germline): Uncertain significance. Review status: criteria provided, multiple submitters, no conflicts (2 of 4 stars). 2 submissions from 2 submitters: Uncertain significance (2). Last evaluated 2023-03-06.

Conditions:
Ehlers-Danlos syndrome, classic type, 1 (EDSCL1). Also called: EHLERS-DANLOS SYNDROME, GRAVIS TYPE; EHLERS-DANLOS SYNDROME, SEVERE CLASSIC TYPE; Ehlers-Danlos syndrome, type 1; Ehlers-Danlos Syndrome, Classic Type, COL5A1-Related; EDS I. Identifiers: MedGen C0268335, MONDO:0019567, OMIM 130000.

Allele frequency attached by ClinVar (database versions not stated): TOPMed 0.00001.
gnomAD v4.1: 13 of 1,614,030 alleles (0.00081%); highest among the groups gnomAD compares: Non-Finnish European, 0.0011%; no homozygotes.

Submissions (2):

GeneDx
Classification: Uncertain significance. Last evaluated: 2023-03-06. Review status: criteria provided, single submitter. Criteria: GeneDx Variant Classification Process June 2021. Collection method: clinical testing. Allele origin: germline. Affected: yes.
Comment: Not observed at significant frequency in large population cohorts (gnomAD); In silico analysis supports a deleterious effect on splicing; Has not been previously published as pathogenic or benign to our knowledge

Labcorp Genetics (formerly Invitae), Labcorp
Classification: Uncertain significance for Ehlers-Danlos syndrome, classic type, 1. Last evaluated: 2021-04-06. Review status: criteria provided, single submitter. Criteria: Invitae Variant Classification Sherloc (09022015). Collection method: clinical testing. Allele origin: germline.
Comment: Nucleotide substitutions within the consensus splice site are a relatively common cause of aberrant splicing (PMID: 17576681, 9536098). Algorithms developed to predict the effect of sequence changes on RNA splicing suggest that this variant may disrupt the consensus splice site, but this prediction has not been confirmed by published transcriptional studies. This variant has not been reported in the literature in individuals with COL5A1-related conditions. This variant is not present in population databases (ExAC no frequency). This sequence change falls in intron 61 of the COL5A1 gene. It does not directly change the encoded amino acid sequence of the COL5A1 protein. It affects a nucleotide within the consensus splice site of the intron. In summary, the available evidence is currently insufficient to determine the role of this variant in disease. Therefore, it has been classified as a Variant of Uncertain Significance.

Literature cited by the submitters: PubMed 17576681 (cited by Labcorp Genetics (formerly Invitae), Labcorp); PubMed 9536098 (cited by Labcorp Genetics (formerly Invitae), Labcorp).